The following is an entry in ClinVar:

NM_001267550.2(TTN):c.40057+1G>T

Gene: TTN (titin; minus strand). Cytogenetic location: 2q31.2.
Variant type: single nucleotide variant.
Coding change: c.40057+1G>T on transcript NM_001267550.2 (MANE Select); the canonical splice donor site of the intron after coding-DNA position 40057, G replaced by T.
Molecular consequence: splice donor variant. On other transcripts: intron variant (5).
Genome position (GRCh38, 1-based): chr2:178,649,247, C>A on the plus strand (G>T on the coding strand, the complement: TTN is on the minus strand). VCF-style: chr2-178649247-C-A. GRCh37 (hg19) VCF-style: chr2-179513974-C-A.
Other names: c.13283-6930G>T (NM_003319.4); c.13859-6930G>T (NM_133437.4); c.13658-6930G>T (NM_133432.3); c.32593+570G>T (NM_133378.4); c.35374+570G>T (NM_001256850.1).
Identifiers: ClinVar variation 3748557 (VCV003748557.2).

ClinVar aggregate classification (germline): Likely pathogenic (1 of 4 stars; one submission).

Conditions:
Dilated cardiomyopathy 1G (CMD1G). Identifiers: Orphanet 154, MedGen C1858763, MONDO:0011400, OMIM 604145.
Autosomal recessive limb-girdle muscular dystrophy type 2J (LGMDR10). Also called: Limb-girdle muscular dystrophy, type 2J; MUSCULAR DYSTROPHY, LIMB-GIRDLE, AUTOSOMAL RECESSIVE 10. Identifiers: Orphanet 140922, MedGen C1837342, MONDO:0012127, OMIM 608807.

gnomAD v4.1: 3 of 1,499,938 alleles (0.0002%); highest among the groups gnomAD compares: Non-Finnish European, 0.00027%; no homozygotes.

Submission:

Labcorp Genetics (formerly Invitae), Labcorp
Classification: Likely pathogenic for Dilated cardiomyopathy 1G; Autosomal recessive limb-girdle muscular dystrophy type 2J. Last evaluated: 2024-11-08. Review status: criteria provided, single submitter. Criteria: Invitae Variant Classification Sherloc (09022015). Collection method: clinical testing. Allele origin: germline.
Comment: This sequence change affects a donor splice site in intron 213 of the TTN gene. It is expected to disrupt RNA splicing and likely results in a truncated or disrupted TTN protein. This variant is not present in population databases (gnomAD no frequency). This variant has not been reported in the literature in individuals affected with TTN-related conditions. Algorithms developed to predict the effect of sequence changes on RNA splicing suggest that this variant may disrupt the consensus splice site. This variant is located in the I band of TTN (PMID: 25589632). Truncating variants in this region have been reported in individuals affected with autosomal recessive centronuclear myopathy (PMID: 23975875, internal data). Truncating variants in this region have also been identified in individuals affected with autosomal dominant dilated cardiomyopathy and/or cardio-related conditions (PMID: 27869827, 32964742, internal data). In summary, the currently available evidence indicates that the variant is pathogenic, but additional data are needed to prove that conclusively. Therefore, this variant has been classified as Likely Pathogenic.

Literature cited by the submitters: PubMed 25589632; PubMed 23975875; PubMed 27869827; PubMed 32964742.